The following is an entry in ClinVar:

NM_001100913.3(PACS2):c.851A>G (p.Glu284Gly)

Gene: PACS2 (phosphofurin acidic cluster sorting protein 2; plus strand). Cytogenetic location: 14q32.33.
Variant type: single nucleotide variant.
Coding change: c.851A>G on transcript NM_001100913.3 (MANE Select); coding-DNA position 851, A replaced by G.
Protein change: p.Glu284Gly; replaces glutamic acid 284 with glycine.
Molecular consequence: missense variant.
Genome position (GRCh38, 1-based): chr14:105,376,817, A>G. VCF-style: chr14-105376817-A-G. GRCh37 (hg19) VCF-style: chr14-105843154-A-G.
Other names: c.626A>G, p.Glu209Gly (NM_001243127.3); c.851A>G, p.Glu284Gly (NM_015197.4); short protein forms E209G, E284G.
Identifiers: ClinVar variation 2644918 (VCV002644918.24), dbSNP rs2544766267, ClinGen allele CA391178798.

ClinVar aggregate classification (germline): Uncertain significance (1 of 4 stars; one submission).

Submission:

CeGaT Center for Human Genetics Tuebingen
Classification: Uncertain significance. Last evaluated: 2023-09-01. Review status: criteria provided, single submitter. Criteria: CeGaT Center For Human Genetics Tuebingen Variant Classification Criteria Version 2. Collection method: clinical testing. Allele origin: germline. Affected: yes. Observed: 1 variant allele.
Comment: PACS2: PM2, BP4